The following is an entry in ClinVar:

ClinVar aggregate classification (germline): Uncertain significance (1 of 4 stars; one submission).

Conditions:
Nephronophthisis 18 (NPHP18). Identifiers: Orphanet 655, MedGen C3890591, MONDO:0014374, OMIM 615862.

Submission:

Labcorp Genetics (formerly Invitae), Labcorp
Classification: Uncertain significance for Nephronophthisis 18. Last evaluated: 2022-08-22. Review status: criteria provided, single submitter. Criteria: Invitae Variant Classification Sherloc (09022015). Collection method: clinical testing. Allele origin: germline.
Comment: This variant, c.836_837delinsAC, is a complex sequence change that results in the deletion of arginine and insertion of histidine amino acid(s) in the CEP83 protein (p.Arg279His). This variant is present in population databases (no rsID available, gnomAD 0.4%). This variant has not been reported in the literature in individuals affected with CEP83-related conditions. ClinVar contains an entry for this variant (Variation ID: 1024197). Algorithms developed to predict the effect of missense changes on protein structure and function are either unavailable or do not agree on the potential impact of this missense change (SIFT: "Not Available"; PolyPhen-2: "Benign"; Align-GVGD: "Not Available"). Experimental studies and prediction algorithms are not available or were not evaluated, and the effect of this variant on mRNA splicing is currently unknown. In summary, the available evidence is currently insufficient to determine the role of this variant in disease. Therefore, it has been classified as a Variant of Uncertain Significance.

NM_016122.3(CEP83):c.836_837inv (p.Arg279His)

Gene: CEP83 (centrosomal protein 83; minus strand). Cytogenetic location: 12q22.
Variant type: Inversion.
Coding change: c.836_837inv on transcript NM_016122.3 (MANE Select).
Protein change: p.Arg279His; replaces arginine 279 with histidine.
Molecular consequence: missense variant. On other transcripts: non-coding transcript variant (2).
Genome position: GRCh38 VCF-style: chr12-94375982-AC-GT. GRCh37 (hg19) VCF-style: chr12-94769758-AC-GT.
Other names: c.836_837inv, p.Arg279His (NM_001042399.2, NM_001346457.2, NM_001346460.2 and 3 more transcripts); c.524_525inv, p.Arg175His (NM_001346458.2, NM_001346459.2, NM_001346462.2 and 2 more transcripts); c.611_612inv, p.Arg204His (NM_001368041.1); c.299_300inv, p.Arg100His (NM_001368042.1); short protein forms R100H, R175H, R204H, R279H.
Identifiers: ClinVar variation 1024197 (VCV001024197.6), ClinGen allele CA2499221924.